The following is an entry in ClinVar:

NM_000384.3(APOB):c.2914G>A (p.Gly972Ser)

Gene: APOB (apolipoprotein B; minus strand). Cytogenetic location: 2p24.1.
Variant type: single nucleotide variant.
Coding change: c.2914G>A on transcript NM_000384.3 (MANE Select); coding-DNA position 2914, G replaced by A.
Protein change: p.Gly972Ser; replaces glycine 972 with serine.
Molecular consequence: missense variant.
Genome position (GRCh38, 1-based): chr2:21,019,808, C>T on the plus strand (G>A on the coding strand, the complement: APOB is on the minus strand). VCF-style: chr2-21019808-C-T. GRCh37 (hg19) VCF-style: chr2-21242680-C-T.
Other names: short protein forms G972S.
Identifiers: ClinVar variation 402378 (VCV000402378.28), dbSNP rs199893862, ClinGen allele CA057503.

ClinVar aggregate classification (germline): Conflicting classifications of pathogenicity. Review status: criteria provided, conflicting classifications (1 of 4 stars). 6 submissions from 6 submitters: Uncertain significance (5); Likely benign (1). Last evaluated 2025-09-11.

Conditions:
Cardiovascular phenotype. Identifiers: MedGen CN230736.
Familial hypobetalipoproteinemia 1. Also called: APOB-Related Familial Hypobetalipoproteinemia; Hypobetalipoproteinemia, normotriglyceridemic; Acanthocytosis with hypobetalipoproteinemia. Identifiers: MedGen C4551990, MONDO:0014252, OMIM 615558.
Hypercholesterolemia, autosomal dominant, type B (FHCL2). Also called: Familial Hypercholesterolemia Type B; APOLIPOPROTEIN B-100, FAMILIAL DEFECTIVE; APOLIPOPROTEIN B-100, FAMILIAL LIGAND-DEFECTIVE; HYPERCHOLESTEROLEMIA, FAMILIAL, DUE TO LIGAND-DEFECTIVE APOLIPOPROTEIN B; Hyperlipoproteinemia Type IIb; APOB-Related Familial Hypercholesterolemia, Autosomal Dominant. Identifiers: MedGen C1704417, MONDO:0007751, OMIM 144010.
Familial hypercholesterolemia. Also called: Familial hypercholesterolaemia; Familial hypercholesterolemias. Identifiers: MedGen C0020445, MONDO:0005439.

Allele frequency attached by ClinVar (database versions not stated): ExAC 0.00002; gnomAD exomes 0.00006 and 0.00012; TOPMed 0.00009; gnomAD 0.00013 and 0.00014; ESP Exome Variant Server 0.00015.
gnomAD v4.1: 193 of 1,614,002 alleles (0.012%); highest among the groups gnomAD compares: Admixed American, 0.03%; no homozygotes.

Submissions (6):

Cambridge Genomics Laboratory, East Genomic Laboratory Hub, NHS Genomic Medicine Service
Classification: Uncertain significance for Familial hypercholesterolaemia. Last evaluated: 2025-09-11. Review status: criteria provided, single submitter. Criteria: ACGS Best Practice Guidelines for Variant Classification in Rare Disease 2020. Collection method: clinical testing. Allele origin: germline. Affected: yes.
Comment: PM2_Supporting

Labcorp Genetics (formerly Invitae), Labcorp
Classification: Likely benign for Familial hypobetalipoproteinemia 1; Hypercholesterolemia, autosomal dominant, type B. Last evaluated: 2024-09-24. Review status: criteria provided, single submitter. Criteria: Invitae Variant Classification Sherloc (09022015). Collection method: clinical testing. Allele origin: germline.

Blueprint Genetics
Classification: Uncertain significance. Last evaluated: 2024-09-23. Review status: criteria provided, single submitter. Criteria: ACMG Guidelines, 2015. Collection method: clinical testing. Allele origin: germline.

Fulgent Genetics
Classification: Uncertain significance for Hypercholesterolemia, autosomal dominant, type B; Familial hypobetalipoproteinemia 1. Last evaluated: 2021-07-07. Review status: criteria provided, single submitter. Criteria: ACMG Guidelines, 2015. Collection method: clinical testing. Allele origin: unknown.

Ambry Genetics
Classification: Uncertain significance for Cardiovascular phenotype. Last evaluated: 2019-07-30. Review status: criteria provided, single submitter. Criteria: Ambry Variant Classification Scheme 2023. Collection method: clinical testing. Allele origin: germline.
Comment: The p.G972S variant (also known as c.2914G>A), located in coding exon 19 of the APOB gene, results from a G to A substitution at nucleotide position 2914. The glycine at codon 972 is replaced by serine, an amino acid with similar properties. This variant was reported in one individual with hypobetalipoproteinemia (Zhong S et al. J. Biol. Chem., 2010 Feb;285:6453-64). This amino acid position is highly conserved in available vertebrate species. In addition, this alteration is predicted to be deleterious by in silico analysis. Since supporting evidence is limited at this time, the clinical significance of this alteration remains unclear.

Laboratory for Molecular Medicine, Mass General Brigham Personalized Medicine
Classification: Uncertain significance. Last evaluated: 2016-06-16. Review status: criteria provided, single submitter. Criteria: LMM Criteria. Collection method: clinical testing. Allele origin: germline.
Comment: Variant identified in a genome or exome case(s) and assessed due to predicted null impact of the variant or pathogenic assertions in the literature or databases. Disclaimer: This variant has not undergone full assessment. The following are preliminary notes: Identified in 3 members of 1 family

Literature cited by the submitters: PubMed 20032471 (cited by Ambry Genetics).